The following is an entry in ClinVar:

ClinVar aggregate classification (germline): Uncertain significance. Review status: criteria provided, multiple submitters, no conflicts (2 of 4 stars). 4 submissions from 4 submitters: Uncertain significance (3). 1 of the submissions does not count toward it. Last evaluated 2025-12-23.

Conditions:
MKS1-related disorder. Also called: MKS1-related disorders; MKS1-related condition. Identifiers: MedGen CN239382.
Joubert syndrome. Also called: Familial aplasia of the vermis; JOUBERT-BOLTSHAUSER SYNDROME. Identifiers: Orphanet 475, MedGen C5979921, MONDO:0018772.
Meckel-Gruber syndrome. Also called: DYSENCEPHALIA SPLANCHNOCYSTICA; GRUBER SYNDROME; Dysencephalia splachnocystica. Identifiers: Orphanet 564, MedGen C0265215, MONDO:0018921.
Meckel syndrome, type 1 (MKS1). Also called: MECKEL-GRUBER SYNDROME, TYPE 1. Identifiers: Orphanet 564, MedGen C3714506, MONDO:0009571, OMIM 249000.

Allele frequency attached by ClinVar (database versions not stated): gnomAD exomes below 0.00001 and 0.00001; ExAC 0.00001; gnomAD 0.00001; TOPMed 0.00001.

Submissions (4):

PreventionGenetics, part of Exact Sciences
Classification: Uncertain significance for MKS1-related condition. Last evaluated: 2025-12-23. Review status: criteria provided, single submitter. Criteria: ACMG Guidelines, 2015. Collection method: clinical testing. Allele origin: germline.
Comment: The MKS1 c.638A>G variant is predicted to result in the amino acid substitution p.Tyr213Cys. To our knowledge, this variant has not been reported in the literature. This variant is reported in 0.00088% of alleles in individuals of European (Non-Finnish) descent in gnomAD. At this time, the clinical significance of this variant is uncertain due to the absence of conclusive functional and genetic evidence.

Labcorp Genetics (formerly Invitae), Labcorp
Classification: Uncertain significance for Joubert syndrome; Meckel-Gruber syndrome. Last evaluated: 2024-02-12. Review status: criteria provided, single submitter. Criteria: Invitae Variant Classification Sherloc (09022015). Collection method: clinical testing. Allele origin: germline.
Comment: This sequence change replaces tyrosine, which is neutral and polar, with cysteine, which is neutral and slightly polar, at codon 213 of the MKS1 protein (p.Tyr213Cys). This variant is present in population databases (rs754689401, gnomAD 0.0009%). This variant has not been reported in the literature in individuals affected with MKS1-related conditions. ClinVar contains an entry for this variant (Variation ID: 1018871). Advanced modeling of protein sequence and biophysical properties (such as structural, functional, and spatial information, amino acid conservation, physicochemical variation, residue mobility, and thermodynamic stability) performed at Invitae indicates that this missense variant is not expected to disrupt MKS1 protein function with a negative predictive value of 80%. In summary, the available evidence is currently insufficient to determine the role of this variant in disease. Therefore, it has been classified as a Variant of Uncertain Significance.

GeneDx
Classification: Uncertain significance. Last evaluated: 2022-07-15. Review status: criteria provided, single submitter. Criteria: GeneDx Variant Classification Process June 2021. Collection method: clinical testing. Allele origin: germline. Affected: yes.
Comment: Not observed at significant frequency in large population cohorts (gnomAD); In silico analysis supports that this missense variant does not alter protein structure/function; Has not been previously published as pathogenic or benign to our knowledge

Natera, Inc.
Classification: Uncertain significance for Meckel syndrome type 1. Last evaluated: 2021-04-27. Review status: no assertion criteria provided. Collection method: clinical testing. Allele origin: germline. Not counted in ClinVar's aggregate classification.

NM_017777.4(MKS1):c.638A>G (p.Tyr213Cys)

Gene: MKS1 (MKS transition zone complex subunit 1; minus strand). Cytogenetic location: 17q22.
Variant type: single nucleotide variant.
Coding change: c.638A>G on transcript NM_017777.4 (MANE Select); coding-DNA position 638, A replaced by G.
Protein change: p.Tyr213Cys; replaces tyrosine 213 with cysteine.
Molecular consequence: missense variant.
Genome position (GRCh38, 1-based): chr17:58,214,265, T>C on the plus strand (A>G on the coding strand, the complement: MKS1 is on the minus strand). VCF-style: chr17-58214265-T-C. GRCh37 (hg19) VCF-style: chr17-56291626-T-C.
Other names: c.638A>G (NM_017777.3); c.29A>G, p.Tyr10Cys (NM_001321268.2); c.638A>G, p.Tyr213Cys (NM_001321269.2, NM_001330397.2); short protein forms Y10C, Y213C.
Identifiers: ClinVar variation 1018871 (VCV001018871.6), dbSNP rs754689401, ClinGen allele CA8669460.